The following is an entry in ClinVar:

NM_000138.5(FBN1):c.8148C>A (p.Tyr2716Ter)

Gene: FBN1 (fibrillin 1; minus strand). Cytogenetic location: 15q21.1.
Variant type: single nucleotide variant.
Coding change: c.8148C>A on transcript NM_000138.5 (MANE Select); coding-DNA position 8148, C replaced by A.
Protein change: p.Tyr2716Ter; replaces tyrosine 2716 with a stop codon.
Molecular consequence: nonsense.
Genome position (GRCh38, 1-based): chr15:48,412,647, G>T on the plus strand (C>A on the coding strand, the complement: FBN1 is on the minus strand). VCF-style: chr15-48412647-G-T. GRCh37 (hg19) VCF-style: chr15-48704844-G-T.
Other names: c.8148C>A, p.Tyr2716Ter (NM_001406716.1); short protein forms Y2716*.
Identifiers: ClinVar variation 1762177 (VCV001762177.2), dbSNP rs112642323, ClinGen allele CA392321128.

ClinVar aggregate classification (germline): Pathogenic (1 of 4 stars; one submission).

Conditions:
Familial thoracic aortic aneurysm and aortic dissection (TAAD). Also called: Thoracic aortic aneurysms and dissections. Identifiers: Orphanet 91387, MedGen C4707243, MONDO:0019625.

Submission:

Ambry Genetics
Classification: Pathogenic for Familial thoracic aortic aneurysm and aortic dissection. Last evaluated: 2022-01-11. Review status: criteria provided, single submitter. Criteria: Ambry Variant Classification Scheme 2023. Collection method: clinical testing. Allele origin: germline.
Comment: The p.Y2716* pathogenic mutation (also known as c.8148C>A), located in coding exon 64 of the FBN1 gene, results from a C to A substitution at nucleotide position 8148. This changes the amino acid from a tyrosine to a stop codon within coding exon 64. A different nucleotide change (c.8147dupA) resulting in the same protein impact has been reported in association with Marfan syndrome and aortic dissection (Proost D et al. Hum. Mutat., 2015 Aug;36:808-14; Fang M et al. Sci Rep, 2017 08;7:10035; Mannucci L et al. Clin. Chim. Acta, 2020 Feb;501:154-164). This alteration is expected to result in loss of function by premature protein truncation or nonsense-mediated mRNA decay. As such, this alteration is interpreted as a disease-causing mutation.

Literature cited by the submitters: PubMed 25907466; PubMed 28855619; PubMed 31730815.